The following is an entry in ClinVar:

ClinVar aggregate classification (germline): Uncertain significance (1 of 4 stars; one submission).

Conditions:
Inborn genetic diseases. Identifiers: MedGen C0950123, MeSH D030342.

gnomAD v4.1: 3 of 1,614,034 alleles (0.00019%); highest among the groups gnomAD compares: Non-Finnish European, 0.00017%; no homozygotes.

Submission:

Ambry Genetics
Classification: Uncertain significance for Inborn genetic diseases. Last evaluated: 2025-04-21. Review status: criteria provided, single submitter. Criteria: Ambry Variant Classification Scheme 2023. Collection method: clinical testing. Allele origin: germline.
Comment: The p.H260Y variant (also known as c.778C>T), located in coding exon 5 of the MECOM gene, results from a C to T substitution at nucleotide position 778. The histidine at codon 260 is replaced by tyrosine, an amino acid with similar properties. This amino acid position is conserved. In addition, this alteration is predicted to be tolerated by in silico analysis. Based on the available evidence, the clinical significance of this variant remains unclear.

NM_004991.4(MECOM):c.778C>T (p.His260Tyr)

Gene: MECOM (MDS1 and EVI1 complex locus; minus strand). Cytogenetic location: 3q26.2.
Variant type: single nucleotide variant.
Coding change: c.778C>T on transcript NM_004991.4 (MANE Select); coding-DNA position 778, C replaced by T.
Protein change: p.His260Tyr; replaces histidine 260 with tyrosine.
Molecular consequence: missense variant.
Genome position (GRCh38, 1-based): chr3:169,127,896, G>A on the plus strand (C>T on the coding strand, the complement: MECOM is on the minus strand). VCF-style: chr3-169127896-G-A. GRCh37 (hg19) VCF-style: chr3-168845684-G-A.
Other names: c.406C>T, p.His136Tyr (NM_001105077.4); c.214C>T, p.His72Tyr (NM_001105078.4, NM_001163999.2, NM_001164000.2 and 9 more transcripts); c.778C>T, p.His260Tyr (NM_001366466.2, NM_001366473.2); short protein forms H260Y, H72Y, H136Y.
Identifiers: ClinVar variation 4053217 (VCV004053217.1).